The following is an entry in ClinVar:

NM_001042492.3(NF1):c.6147+8C>G

Gene: NF1 (neurofibromin 1; plus strand). Cytogenetic location: 17q11.2.
Variant type: single nucleotide variant.
Coding change: c.6147+8C>G on transcript NM_001042492.3 (MANE Select); 8 bases into the intron after coding-DNA position 6147, C replaced by G.
Molecular consequence: intron variant.
Genome position (GRCh38, 1-based): chr17:31,336,481, C>G. VCF-style: chr17-31336481-C-G. GRCh37 (hg19) VCF-style: chr17-29663499-C-G.
Other names: p.?; c.6084+8C>G (NM_000267.4).
Identifiers: ClinVar variation 215465 (VCV000215465.85), dbSNP rs182709912, ClinGen allele CA335763.

ClinVar aggregate classification (germline): Benign/Likely benign. Review status: criteria provided, multiple submitters, no conflicts (2 of 4 stars). 24 submissions from 21 submitters: Benign (12); Likely benign (8). 4 of the submissions do not count toward it. Last evaluated 2026-10-01.

Conditions:
Cardiovascular phenotype. Identifiers: MedGen CN230736.
Hereditary cancer-predisposing syndrome. Also called: Neoplastic Syndromes, Hereditary; Tumor predisposition; Hereditary Cancer Syndrome; Hereditary neoplastic syndrome. Identifiers: Orphanet 140162, MedGen C0027672, MeSH D009386, MONDO:0015356.
NF1-related disorder. Also called: NF1-related condition. Identifiers: MedGen CN379171.
Neurofibromatosis, type 1 (NF1). Also called: VON RECKLINGHAUSEN DISEASE; Peripheral type neurofibromatosis; NEUROFIBROMATOSIS, TYPE I, SOMATIC; Neurofibromatosis, type I. Identifiers: Orphanet 636, MedGen C0027831, MONDO:0018975, OMIM 162200. Disease mechanism: loss of function.
Neurofibromatosis-Noonan syndrome (NFNS). Also called: NEUROFIBROMATOSIS WITH NOONAN PHENOTYPE. Identifiers: Orphanet 638, MedGen C2931482, MONDO:0011035, OMIM 601321. Disease mechanism: loss of function.
Café-au-lait macules with pulmonary stenosis (WTSN). Also called: PULMONIC STENOSIS WITH CAFE-AU-LAIT SPOTS. Identifiers: MedGen C0553586, MONDO:0008672, OMIM 193520.
Neurofibromatosis, familial spinal (FSNF). Identifiers: Orphanet 636, MedGen C1834235, MONDO:0008078, OMIM 162210. Disease mechanism: loss of function.

Allele frequency attached by ClinVar (database versions not stated): 1000 Genomes Project 30x 0.00031; 1000 Genomes Project 0.00040; TOPMed 0.00193; ESP Exome Variant Server 0.00231.
gnomAD v4.1: 4,673 of 1,613,910 alleles (0.29%); highest among the groups gnomAD compares: Non-Finnish European, 0.37%; 13 homozygotes.

Submissions (24):

CeGaT Center for Human Genetics Tuebingen
Classification: Benign. Last evaluated: 2026-10-01. Review status: criteria provided, single submitter. Criteria: CeGaT Center For Human Genetics Tuebingen Variant Classification Criteria Version 2. Collection method: clinical testing. Allele origin: germline. Affected: yes. Observed: 43 variant alleles.
Comment: NF1: BP4, BS1, BS2

Myriad Genetics, Inc.
Classification: Benign for Neurofibromatosis, type 1. Last evaluated: 2026-05-21. Review status: criteria provided, single submitter. Criteria: Myriad Autosomal Dominant, Autosomal Recessive and X-Linked Classification Criteria (2023). Collection method: clinical testing. Allele origin: unknown.
Comment: This variant is considered benign. This variant is intronic and is not expected to impact mRNA splicing. This variant has been observed at a population frequency that is significantly greater than expected given the associated disease prevalence and penetrance.

Labcorp Genetics (formerly Invitae), Labcorp
Classification: Benign for Neurofibromatosis, type 1. Last evaluated: 2026-02-04. Review status: criteria provided, single submitter. Criteria: Invitae Variant Classification Sherloc (09022015). Collection method: clinical testing. Allele origin: germline.

ARUP Laboratories, Molecular Genetics and Genomics, ARUP Laboratories
Classification: Benign. Last evaluated: 2025-07-31. Review status: criteria provided, single submitter. Criteria: ARUP Molecular Germline Variant Investigation Process 2024. Collection method: clinical testing. Allele origin: germline.

Quest Diagnostics Nichols Institute San Juan Capistrano
Classification: Benign. Last evaluated: 2025-06-20. Review status: criteria provided, single submitter. Criteria: Quest Diagnostics criteria. Collection method: clinical testing. Allele origin: unknown.

Blueprint Genetics
Classification: Likely benign. Last evaluated: 2024-11-21. Review status: criteria provided, single submitter. Criteria: ACMG Guidelines, 2015. Collection method: clinical testing. Allele origin: germline.

Mayo Clinic Laboratories, Mayo Clinic
Classification: Benign. Last evaluated: 2024-03-19. Review status: criteria provided, single submitter. Criteria: ACMG Guidelines, 2015. Collection method: clinical testing. Allele origin: germline. Observed: 11 variant alleles.
Comment: BS1, BS2, BP4, BP7

Department of Pathology and Laboratory Medicine, Sinai Health System
Classification: Likely benign for Neurofibromatosis, type 1. Last evaluated: 2022-06-07. Review status: criteria provided, single submitter. Criteria: ACMG Guidelines, 2015. Collection method: clinical testing. Allele origin: germline. Affected: yes.

Genome-Nilou Lab
Classification: Benign for Neurofibromatosis, type 1. Last evaluated: 2022-03-15. Review status: criteria provided, single submitter. Criteria: ACMG Guidelines, 2015. Collection method: clinical testing. Allele origin: germline. Affected: no.

Genome Diagnostics Laboratory, The Hospital for Sick Children
Classification: Likely benign for Neurofibromatosis, type 1. Last evaluated: 2020-10-26. Review status: criteria provided, single submitter. Criteria: ACMG Guidelines, 2015. Collection method: clinical testing. Allele origin: germline. Affected: yes.

Sema4
Classification: Benign for Hereditary cancer-predisposing syndrome. Last evaluated: 2020-03-23. Review status: criteria provided, single submitter. Criteria: Sema4 Curation Guidelines. Collection method: curation. Allele origin: germline.

Women's Health and Genetics/Laboratory Corporation of America, LabCorp
Classification: Benign. Last evaluated: 2018-08-03. Review status: criteria provided, single submitter. Criteria: LabCorp Variant Classification Summary - May 2015. Collection method: clinical testing. Allele origin: germline.
Comment: Variant summary: NF1 c.6084+8C>G alters a non-conserved nucleotide located close to a canonical splice site and therefore could affect mRNA splicing, leading to a significantly altered protein sequence. 5/5 computational tools predict no significant impact on normal splicing. However, these predictions have yet to be confirmed by functional studies. The variant allele was found at a frequency of 0.0014 in 277138 control chromosomes (gnomAD). The observed variant frequency is approximately 6.8 fold of the estimated maximal expected allele frequency for a pathogenic variant in NF1 causing Neurofibromatosis Type 1 phenotype (0.00021), strongly suggesting that the variant is benign. c.6084+8C>G has been reported in the literature in an individual affected with Neurofibromatosis Type 1, however, it was found in co-occurrence with a pathogenic NF1 variant (c.1318 C>T (R440X)), providing supporting evidence for a benign role (Mattocks 2004). To our knowledge, no experimental evidence demonstrating an impact on protein function has been reported. Three clinical diagnostic laboratories have submitted clinical-significance assessments for this variant to ClinVar after 2014 without evidence for independent evaluation. All laboratories classified the variant as benign/likely benign. Based on the evidence outlined above, the variant was classified as benign.

Genetic Services Laboratory, University of Chicago
Classification: Benign. Last evaluated: 2018-07-26. Review status: criteria provided, single submitter. Criteria: ACMG Guidelines, 2015. Collection method: clinical testing. Allele origin: germline. Affected: no.

GeneDx
Classification: Likely benign. Last evaluated: 2018-04-19. Review status: criteria provided, single submitter. Criteria: GeneDx Variant Classification (06012015). Collection method: clinical testing. Allele origin: germline. Affected: yes.
Comment: This variant is considered likely benign or benign based on one or more of the following criteria: it is a conservative change, it occurs at a poorly conserved position in the protein, it is predicted to be benign by multiple in silico algorithms, and/or has population frequency not consistent with disease.

Illumina Laboratory Services, Illumina
Classification: Likely benign for Neurofibromatosis, type 1. Last evaluated: 2018-01-13. Review status: criteria provided, single submitter. Criteria: ICSL Variant Classification Criteria 13 December 2019. Collection method: clinical testing. Allele origin: germline.
Comment: This variant was observed in the ICSL laboratory as part of a predisposition screen in an ostensibly healthy population. It had not been previously curated by ICSL or reported in the Human Gene Mutation Database (HGMD: prior to June 1st, 2018), and was therefore a candidate for classification through an automated scoring system. Utilizing variant allele frequency, disease prevalence and penetrance estimates, and inheritance mode, an automated score was calculated to assess if this variant is too frequent to cause the disease. Based on the score and internal cut-off values, a variant classified as likely benign is not then subjected to further curation. The score for this variant resulted in a classification of likely benign for this disease.

Illumina Laboratory Services, Illumina
Classification: Likely benign for Neurofibromatosis, familial spinal. Last evaluated: 2018-01-13. Review status: criteria provided, single submitter. Criteria: ICSL Variant Classification Criteria 13 December 2019. Collection method: clinical testing. Allele origin: germline.
Comment: the same text as in the submission from Illumina Laboratory Services, Illumina above.

Illumina Laboratory Services, Illumina
Classification: Likely benign for Café-au-lait macules with pulmonary stenosis. Last evaluated: 2018-01-13. Review status: criteria provided, single submitter. Criteria: ICSL Variant Classification Criteria 13 December 2019. Collection method: clinical testing. Allele origin: germline.
Comment: the same text as in the submission from Illumina Laboratory Services, Illumina above.

Illumina Laboratory Services, Illumina
Classification: Benign for Neurofibromatosis-Noonan syndrome. Last evaluated: 2018-01-13. Review status: criteria provided, single submitter. Criteria: ICSL Variant Classification Criteria 13 December 2019. Collection method: clinical testing. Allele origin: germline.
Comment: This variant was observed in the ICSL laboratory as part of a predisposition screen in an ostensibly healthy population. It had not been previously curated by ICSL or reported in the Human Gene Mutation Database (HGMD: prior to June 1st, 2018), and was therefore a candidate for classification through an automated scoring system. Utilizing variant allele frequency, disease prevalence and penetrance estimates, and inheritance mode, an automated score was calculated to assess if this variant is too frequent to cause the disease. Based on the score and internal cut-off values, a variant classified as benign is not then subjected to further curation. The score for this variant resulted in a classification of benign for this disease.

Ambry Genetics
Classification: Likely benign for Cardiovascular phenotype; Hereditary cancer-predisposing syndrome. Last evaluated: 2015-04-07. Review status: criteria provided, single submitter. Criteria: Ambry Variant Classification Scheme 2023. Collection method: clinical testing. Allele origin: germline.

Laboratory for Molecular Medicine, Mass General Brigham Personalized Medicine
Classification: Benign. Last evaluated: 2014-11-24. Review status: criteria provided, single submitter. Criteria: LMM Criteria. Collection method: clinical testing. Allele origin: germline. Observed: 3 variant alleles.
Comment: 6147+8C>G in intron 41 of NF1: This variant is not expected to have clinical sig nificance because it is not located within the conserved splice consensus sequen ce. It has been identified in 0.3% (27/8600) of European American chromosomes fr om a broad population by the NHLBI Exome Sequencing Project (dbSNP rs182709912).

PreventionGenetics, part of Exact Sciences
Classification: Benign for NF1-related condition. Last evaluated: 2023-02-16. Review status: no assertion criteria provided. Collection method: clinical testing. Allele origin: germline. Not counted in ClinVar's aggregate classification.
Comment: This variant is classified as benign based on ACMG/AMP sequence variant interpretation guidelines (Richards et al. 2015 PMID: 25741868, with internal and published modifications).

Clinical Genetics DNA and cytogenetics Diagnostics Lab, Erasmus MC, Erasmus Medical Center
Classification: Benign. Review status: no assertion criteria provided. Collection method: clinical testing. Allele origin: germline. Affected: yes. Study: VKGL Data-share Consensus. Not counted in ClinVar's aggregate classification.

Diagnostic Laboratory, Department of Genetics, University Medical Center Groningen
Classification: Likely benign. Review status: no assertion criteria provided. Collection method: clinical testing. Allele origin: germline. Affected: yes. Study: VKGL Data-share Consensus. Not counted in ClinVar's aggregate classification.

Genome Diagnostics Laboratory, Amsterdam University Medical Center
Classification: Likely benign. Review status: no assertion criteria provided. Collection method: clinical testing. Allele origin: germline. Affected: yes. Study: VKGL Data-share Consensus. Not counted in ClinVar's aggregate classification.

Literature cited by the submitters: PubMed 15060124 (cited by Women's Health and Genetics/Laboratory Corporation of America, LabCorp).